The following is an entry in ClinVar:

NM_001853.4(COL9A3):c.325C>T (p.Pro109Ser)

Gene: COL9A3 (collagen type IX alpha 3 chain; plus strand). Cytogenetic location: 20q13.33.
Variant type: single nucleotide variant.
Coding change: c.325C>T on transcript NM_001853.4 (MANE Select); coding-DNA position 325, C replaced by T.
Protein change: p.Pro109Ser; replaces proline 109 with serine.
Molecular consequence: missense variant.
Genome position (GRCh38, 1-based): chr20:62,821,196, C>T. VCF-style: chr20-62821196-C-T. GRCh37 (hg19) VCF-style: chr20-61452548-C-T.
Other names: c.325C>T, p.Pro109Ser (LRG_1253t1); short protein forms P109S.
Identifiers: ClinVar variation 198139 (VCV000198139.20), dbSNP rs774823793, ClinGen allele CA203273.
Genomic context (GRCh38, chr20:62,821,196, plus strand): 5'-AAATAGAGGCCCAGCCCAACCTAGACGCCTGCTTTCCTCCCACAGGGAAGTCTGGGACCC[C>T]CGGGGCCGCCCGGGCTGGGGGTGAGTATGGAGTGTGGTCCTCTCCTCTCCATGGGAGTTT-3'
Protein context (NP_001844.3, residues 99-119): APGERGSLGP[Pro109Ser]GPPGLGGKGL

ClinVar aggregate classification (germline): Benign/Likely benign. Review status: criteria provided, multiple submitters, no conflicts (2 of 4 stars). 5 submissions from 5 submitters: Benign (1); Likely benign (3). 1 of the submissions does not count toward it. Last evaluated 2026-01-21.

Conditions:
COL9A3-related disorder. Also called: COL9A3-related condition.

Allele frequency attached by ClinVar (database versions not stated): gnomAD 0.00002; gnomAD exomes 0.00008 and 0.00043; TOPMed 0.00019; ExAC 0.00047.
gnomAD v4.1: 113 of 1,613,132 alleles (0.007%); highest among the groups gnomAD compares: Admixed American, 0.19%; no homozygotes.

Submissions (5):

Labcorp Genetics (formerly Invitae), Labcorp
Classification: Likely benign. Last evaluated: 2026-01-21. Review status: criteria provided, single submitter. Criteria: Invitae Variant Classification Sherloc (09022015). Collection method: clinical testing. Allele origin: germline.

Blueprint Genetics
Classification: Likely benign. Last evaluated: 2022-07-27. Review status: criteria provided, single submitter. Criteria: ACMG Guidelines, 2015. Collection method: clinical testing. Allele origin: germline.

GeneDx
Classification: Likely benign. Last evaluated: 2021-08-02. Review status: criteria provided, single submitter. Criteria: GeneDx Variant Classification Process June 2021. Collection method: clinical testing. Allele origin: germline. Affected: yes.

Eurofins Ntd Llc (ga)
Classification: Benign. Last evaluated: 2015-05-11. Review status: criteria provided, single submitter. Criteria: EGL Classification Definitions 2015. Collection method: clinical testing. Allele origin: germline. Observed: 1 variant allele, 1 heterozygote.

PreventionGenetics, part of Exact Sciences
Classification: Likely benign for COL9A3-related condition. Last evaluated: 2021-07-12. Review status: no assertion criteria provided. Collection method: clinical testing. Allele origin: germline. Not counted in ClinVar's aggregate classification.
Comment: This variant is classified as likely benign based on ACMG/AMP sequence variant interpretation guidelines (Richards et al. 2015 PMID: 25741868, with internal and published modifications).